The following is an entry in ClinVar:

NM_004329.3(BMPR1A):c.869-8C>T

Gene: BMPR1A (bone morphogenetic protein receptor type 1A; plus strand). Cytogenetic location: 10q23.2.
Variant type: single nucleotide variant.
Coding change: c.869-8C>T on transcript NM_004329.3 (MANE Select); 8 bases into the intron before coding-DNA position 869, C replaced by T.
Molecular consequence: intron variant.
Genome position (GRCh38, 1-based): chr10:86,919,164, C>T. VCF-style: chr10-86919164-C-T. GRCh37 (hg19) VCF-style: chr10-88678921-C-T.
Identifiers: ClinVar variation 923598 (VCV000923598.6), dbSNP rs1843620485, ClinGen allele CA1139661554.
Genomic context (GRCh38, chr10:86,919,164, plus strand): 5'-AATGAGCATTACTTCTCCCTAGCCTATCTCTGATGATAACTAACCTTTTAAACTCATCAA[C>T]TGGACAGGTTTCATAGCGGCAGACATTAAAGGTACAGGTTCCTGGACTCAGCTCTATTTG-3'

ClinVar aggregate classification (germline): Likely benign. Review status: criteria provided, multiple submitters, no conflicts (2 of 4 stars). 4 submissions from 4 submitters: Likely benign (4). Last evaluated 2024-09-16.

Conditions:
Juvenile polyposis syndrome (JPS). Identifiers: Orphanet 2929, MedGen C0345893, MONDO:0017380, OMIM 174900.
Hereditary cancer-predisposing syndrome. Also called: Hereditary Cancer Syndrome; Hereditary neoplastic syndrome; Neoplastic Syndromes, Hereditary; Tumor predisposition. Identifiers: Orphanet 140162, MedGen C0027672, MeSH D009386, MONDO:0015356.

Submissions (4):

Labcorp Genetics (formerly Invitae), Labcorp
Classification: Likely benign for Juvenile polyposis syndrome. Last evaluated: 2024-09-16. Review status: criteria provided, single submitter. Criteria: Invitae Variant Classification Sherloc (09022015). Collection method: clinical testing. Allele origin: germline.

Myriad Genetics, Inc.
Classification: Likely benign for Juvenile polyposis syndrome. Last evaluated: 2024-08-05. Review status: criteria provided, single submitter. Criteria: Myriad Autosomal Dominant, Autosomal Recessive and X-Linked Classification Criteria (2023). Collection method: clinical testing. Allele origin: unknown.
Comment: This variant is considered likely benign. This variant is intronic and is not expected to impact mRNA splicing.

All of Us Research Program, National Institutes of Health
Classification: Likely benign for Juvenile polyposis syndrome. Last evaluated: 2023-12-13. Review status: criteria provided, single submitter. Criteria: ACMG Guidelines, 2015. Collection method: clinical testing. Allele origin: germline. Inheritance: Autosomal dominant inheritance. Observed: 2 variant alleles, 2 heterozygotes.
Comment: This study involves interpretation of variants in research participants for the purpose of population health screening. Participant phenotype was not available at the time of variant classification. Additional details can be found in publication PMID: 35346344, PMCID: PMC8962531

Color Diagnostics, LLC DBA Color Health
Classification: Likely benign for Hereditary cancer-predisposing syndrome. Last evaluated: 2019-10-22. Review status: criteria provided, single submitter. Criteria: ACMG Guidelines, 2015. Collection method: clinical testing. Allele origin: germline.